The following is an entry in ClinVar:

NM_000057.4(BLM):c.3516G>T (p.Met1172Ile)

Gene: BLM (BLM RecQ like helicase; plus strand). Cytogenetic location: 15q26.1.
Variant type: single nucleotide variant.
Coding change: c.3516G>T on transcript NM_000057.4 (MANE Select); coding-DNA position 3516, G replaced by T.
Protein change: p.Met1172Ile; replaces methionine 1172 with isoleucine.
Molecular consequence: missense variant. On other transcripts: intron variant (1).
Genome position (GRCh38, 1-based): chr15:90,803,678, G>T. VCF-style: chr15-90803678-G-T. GRCh37 (hg19) VCF-style: chr15-91346908-G-T.
Other names: c.3516G>T, p.Met1172Ile (NM_001287246.2); c.2391G>T, p.Met797Ile (NM_001287248.2); c.3358+5341G>T (NM_001287247.2); short protein forms M1172I, M797I.
Identifiers: ClinVar variation 5032923 (VCV005032923.1).

ClinVar aggregate classification (germline): Uncertain significance (1 of 4 stars; one submission).

Conditions:
Hereditary cancer-predisposing syndrome. Also called: Neoplastic Syndromes, Hereditary; Tumor predisposition; Hereditary neoplastic syndrome; Hereditary Cancer Syndrome. Identifiers: Orphanet 140162, MedGen C0027672, MeSH D009386, MONDO:0015356.

Submission:

Ambry Genetics
Classification: Uncertain significance for Hereditary cancer-predisposing syndrome. Last evaluated: 2026-08-11. Review status: criteria provided, single submitter. Criteria: Ambry Variant Classification Scheme 2023. Collection method: clinical testing. Allele origin: germline.
Comment: The p.M1172I variant (also known as c.3516G>T), located in coding exon 17 of the BLM gene, results from a G to T substitution at nucleotide position 3516. The methionine at codon 1172 is replaced by isoleucine, an amino acid with highly similar properties. This amino acid position is conserved. In addition, this alteration is predicted to be tolerated by in silico analysis. Based on the available evidence, the clinical significance of this variant remains unclear.